The following is an entry in ClinVar:

ClinVar aggregate classification (germline): Likely benign (0 of 4 stars; one submission).

Conditions:
ERI1-related disorder. Also called: ERI1-related condition.

Allele frequency attached by ClinVar (database versions not stated): gnomAD 0.00001; gnomAD exomes 0.00003; ExAC 0.00005; TOPMed 0.00005.
gnomAD v4.1: 45 of 1,612,762 alleles (0.0028%); highest among the groups gnomAD compares: Admixed American, 0.013%; no homozygotes.

Submission:

PreventionGenetics, part of Exact Sciences
Classification: Likely benign for ERI1-related condition. Last evaluated: 2019-08-06. Review status: no assertion criteria provided. Collection method: clinical testing. Allele origin: germline.
Comment: This variant is classified as likely benign based on ACMG/AMP sequence variant interpretation guidelines (Richards et al. 2015 PMID: 25741868, with internal and published modifications).

NM_153332.4(ERI1):c.327T>C (p.Tyr109=)

Gene: ERI1 (exoribonuclease 1). Cytogenetic location: 8p23.1.
Variant type: single nucleotide variant.
Coding change: c.327T>C on transcript NM_153332.4 (MANE Select); coding-DNA position 327, T replaced by C.
Protein change: p.Tyr109=; no amino-acid change (tyrosine 109 retained).
Molecular consequence: synonymous variant. On other transcripts: 5 prime UTR variant (1).
Genome position (GRCh38, 1-based): chr8:9,011,581, T>C. VCF-style: chr8-9011581-T-C. GRCh37 (hg19) VCF-style: chr8-8869091-T-C.
Other names: c.93T>C, p.Tyr31= (NM_001354635.2); c.-19T>C (NM_001354636.2); c.327T>C, p.Tyr109= (NM_001354638.2).
Identifiers: ClinVar variation 3034826 (VCV003034826.2), dbSNP rs763027684, ClinGen allele CA4619780.
Genomic context (GRCh38, chr8:9,011,581, plus strand): 5'-TAGTCTTCTTCTTCTACTTAGAGGAGTAAAGGATGTTCTAAAGAAGAGACTGAAAAACTA[T>C]TATAAGAAGCAGAAGCTGATGCTGAAAGAGAGCAATTTTGCTGACAGTTATTATGACTAC-3'
Protein context (NP_699163.2, residues 99-119): KDVLKKRLKN[Tyr109=]YKKQKLMLKE